The following is an entry in ClinVar:

NM_080605.4(B3GALT6):c.816C>G (p.Ser272Arg)

Gene: B3GALT6 (beta-1,3-galactosyltransferase 6; plus strand). Cytogenetic location: 1p36.33.
Variant type: single nucleotide variant.
Coding change: c.816C>G on transcript NM_080605.4 (MANE Select); coding-DNA position 816, C replaced by G.
Protein change: p.Ser272Arg; replaces serine 272 with arginine.
Molecular consequence: missense variant.
Genome position (GRCh38, 1-based): chr1:1,233,094, C>G. VCF-style: chr1-1233094-C-G. GRCh37 (hg19) VCF-style: chr1-1168474-C-G.
Other names: p.Ser272Arg; c.816C>G (NM_080605.3); short protein forms S272R.
Identifiers: ClinVar variation 1988953 (VCV001988953.3), dbSNP rs1056092134, ClinGen allele CA16755667.
Genomic context (GRCh38, chr1:1,233,094, plus strand): 5'-GGACGTCCAGCGGGAGCACGACCCGCGCTTCGACACCGAATACCGGTCCCGCGGCTGCAG[C>G]AACCAGTACCTGGTGACGCACAAGCAGAGCCTGGAGGACATGCTGGAGAAGCACGCGACG-3'
Protein context (NP_542172.2, residues 262-282): FDTEYRSRGC[Ser272Arg]NQYLVTHKQS

ClinVar aggregate classification (germline): Uncertain significance. Review status: criteria provided, multiple submitters, no conflicts (2 of 4 stars). 3 submissions from 3 submitters: Uncertain significance (3). Last evaluated 2024-06-28.

Conditions:
Ehlers-Danlos syndrome, spondylodysplastic type, 2 (EDSSPD2). Also called: Ehlers-Danlos syndrome, progeroid type, 2. Identifiers: Orphanet 536467, Orphanet 75496, MedGen C3809210, MONDO:0014139, OMIM 615349.
Spondyloepimetaphyseal dysplasia with joint laxity (SEMDJL). Identifiers: MedGen C0432243, MONDO:0019675.
Inborn genetic diseases. Identifiers: MedGen C0950123, MeSH D030342.

Allele frequency attached by ClinVar (database versions not stated): gnomAD exomes 0.00005.
gnomAD v4.1: 77 of 1,561,966 alleles (0.0049%); highest among the groups gnomAD compares: Non-Finnish European, 0.0063%; no homozygotes.

Submissions (3):

Mayo Clinic Laboratories, Mayo Clinic
Classification: Uncertain significance. Last evaluated: 2024-06-28. Review status: criteria provided, single submitter. Criteria: ACMG Guidelines, 2015. Collection method: clinical testing. Allele origin: germline. Observed: 1 variant allele.
Comment: BP4

Ambry Genetics
Classification: Uncertain significance for Inborn genetic diseases. Last evaluated: 2024-01-02. Review status: criteria provided, single submitter. Criteria: Ambry Variant Classification Scheme 2023. Collection method: clinical testing. Allele origin: germline.

Labcorp Genetics (formerly Invitae), Labcorp
Classification: Uncertain significance for Ehlers-Danlos syndrome, spondylodysplastic type, 2; Spondyloepimetaphyseal dysplasia with joint laxity. Last evaluated: 2022-06-14. Review status: criteria provided, single submitter. Criteria: Invitae Variant Classification Sherloc (09022015). Collection method: clinical testing. Allele origin: germline.
Comment: This sequence change replaces serine, which is neutral and polar, with arginine, which is basic and polar, at codon 272 of the B3GALT6 protein (p.Ser272Arg). This variant is present in population databases (no rsID available, gnomAD 0.002%). This variant has not been reported in the literature in individuals affected with B3GALT6-related conditions. Algorithms developed to predict the effect of missense changes on protein structure and function (SIFT, PolyPhen-2, Align-GVGD) all suggest that this variant is likely to be tolerated. In summary, the available evidence is currently insufficient to determine the role of this variant in disease. Therefore, it has been classified as a Variant of Uncertain Significance.